The following is an entry in ClinVar:

NM_001042492.3(NF1):c.7278_7279del (p.Cys2426_Asp2427delinsTer)

Gene: NF1 (neurofibromin 1; plus strand). Cytogenetic location: 17q11.2.
Variant type: Microsatellite.
Coding change: c.7278_7279del on transcript NM_001042492.3 (MANE Select); coding-DNA positions 7278 to 7279, 2 bases deleted (TG; older notation c.7278_7279delTG).
Protein change: p.Cys2426_Asp2427delinsTer.
Molecular consequence: nonsense. On other transcripts: frameshift variant (1).
Genome position (GRCh38, 1-based): chr17:31,349,208-31,349,209, TG deleted; deleting any 2 consecutive bases within chr17:31,349,206-31,349,209 gives the same sequence; the c. name uses the placement nearest the transcript's 3' end. VCF-style (leftmost placement, unchanged base first): chr17-31349205-TTG-T. GRCh37 (hg19) VCF-style: chr17-29676223-TTG-T.
Other names: c.7215_7216delTG (NM_000267.3); c.7213_7214TG[1], p.Cys2405Terfs (NM_000267.4).
Identifiers: ClinVar variation 996392 (VCV000996392.10), dbSNP rs2070076932, ClinGen allele CA645572263.
Genomic context (GRCh38, chr17:31,349,205, plus strand): 5'-TGTTGCAAGAACAGTCAGAATTTTACATACACTACTAACTCTGGTTAACAAACACAGAAA[TTG>T]TGACAAATTTGAAGTGAATACACAGAGCGTGGCCTACTTAGCAGGTAAAAACACAAAATA-3'

ClinVar aggregate classification (germline): Pathogenic/Likely pathogenic. Review status: criteria provided, multiple submitters, no conflicts (2 of 4 stars). 3 submissions from 3 submitters: Pathogenic (2); Likely pathogenic (1). Last evaluated 2022-08-15.

Conditions:
Neurofibromatosis, type 1 (NF1). Also called: Neurofibromatosis, type I; VON RECKLINGHAUSEN DISEASE; NEUROFIBROMATOSIS, TYPE I, SOMATIC; Peripheral type neurofibromatosis. Identifiers: Orphanet 636, MedGen C0027831, MONDO:0018975, OMIM 162200. Disease mechanism: loss of function.

Submissions (3):

Labcorp Genetics (formerly Invitae), Labcorp
Classification: Pathogenic for Neurofibromatosis, type 1. Last evaluated: 2022-08-15. Review status: criteria provided, single submitter. Criteria: Invitae Variant Classification Sherloc (09022015). Collection method: clinical testing. Allele origin: germline.
Comment: For these reasons, this variant has been classified as Pathogenic. ClinVar contains an entry for this variant (Variation ID: 996392). This variant has not been reported in the literature in individuals affected with NF1-related conditions. This variant is not present in population databases (gnomAD no frequency). This sequence change creates a premature translational stop signal (p.Cys2405*) in the NF1 gene. It is expected to result in an absent or disrupted protein product. Loss-of-function variants in NF1 are known to be pathogenic (PMID: 10712197, 23913538).

Genome-Nilou Lab
Classification: Pathogenic for Neurofibromatosis, type 1. Last evaluated: 2022-03-15. Review status: criteria provided, single submitter. Criteria: ACMG Guidelines, 2015. Collection method: clinical testing. Allele origin: germline. Affected: no.

Genome Diagnostics Laboratory, The Hospital for Sick Children
Classification: Likely pathogenic for Neurofibromatosis, type 1. Last evaluated: 2020-10-26. Review status: criteria provided, single submitter. Criteria: ACMG Guidelines, 2015. Collection method: clinical testing. Allele origin: germline. Affected: yes.

Literature cited by the submitters: PubMed 10712197 (cited by Labcorp Genetics (formerly Invitae), Labcorp); PubMed 23913538 (cited by Labcorp Genetics (formerly Invitae), Labcorp).